The following is an entry in ClinVar:

ClinVar aggregate classification (germline): Pathogenic. Review status: criteria provided, multiple submitters, no conflicts (2 of 4 stars). 2 submissions from 2 submitters: Pathogenic (2). Last evaluated 2024-10-10.

Conditions:
Meckel syndrome, type 6. Identifiers: Orphanet 564, MedGen C2676790, MONDO:0012848, OMIM 612284.
Joubert syndrome and related disorders. Identifiers: Orphanet 140874, MedGen C5679612, MONDO:0015369.

Allele frequency attached by ClinVar (database versions not stated): TOPMed below 0.00001; gnomAD 0.00001; gnomAD exomes 0.00001.
gnomAD v4.1: 13 of 1,549,698 alleles (0.00084%); highest among the groups gnomAD compares: Non-Finnish European, 0.0011%; no homozygotes.

Submissions (2):

Victorian Clinical Genetics Services, Murdoch Childrens Research Institute
Classification: Pathogenic for Meckel syndrome, type 6. Last evaluated: 2024-10-10. Review status: criteria provided, single submitter. Criteria: ACMG Guidelines, 2015. Collection method: clinical testing. Allele origin: germline. Inheritance: Autosomal recessive inheritance. Affected: yes.
Comment: Based on the classification scheme VCGS_Germline_v1.3.4, this variant is classified as Pathogenic. Following criteria are met: 0102 - Loss of function is a known mechanism of disease in this gene and is associated with Meckel syndrome 6 (MIM#612284). (I) 0106 - This gene is associated with autosomal recessive disease. (I) 0201 - Variant is predicted to cause nonsense-mediated decay (NMD) and loss of protein (premature termination codon is located at least 54 nucleotides upstream of the final exon-exon junction). (SP) 0251 - This variant is heterozygous. (I) 0304 - Variant is present in gnomAD <0.01 (v2) for a recessive condition (1 heterozygote, 0 homozygotes). (SP) 0701 - Other NMD predicted variants comparable to the one identified in this case have very strong previous evidence for pathogenicity (ClinVar, DECIPHER). (SP) 0807 - This variant has no previous evidence of pathogenicity. (I) 0905 - No published segregation evidence has been identified for this variant. (I) 1007 - No published functional evidence has been identified for this variant. (I) 1102 - Strong phenotype match for this individual. (I) Legend: (SP) - Supporting pathogenic, (I) - Information, (SB) - Supporting benign

Myriad Genetics, Inc.
Classification: Pathogenic for Joubert syndrome and related disorders. Last evaluated: 2024-06-20. Review status: criteria provided, single submitter. Criteria: Myriad Autosomal Dominant, Autosomal Recessive and X-Linked Classification Criteria (2023). Collection method: clinical testing. Allele origin: unknown.
Comment: NM_001080522.2(CC2D2A):c.2164G>T(E722*) is expected to be pathogenic in the context of CC2D2A-related disorders. This variant is predicted to lead to an abnormal or absent protein product due to the creation of a premature termination codon in CC2D2A, a gene where loss-of-function variants are known to be pathogenic. Please note: this variant was assessed in the context of healthy population screening.

NM_001378615.1(CC2D2A):c.2164G>T (p.Glu722Ter)

Genes: CC2D2A (coiled-coil and C2 domain containing 2A; plus strand), FBXL5 (F-box and leucine rich repeat protein 5; minus strand). Cytogenetic location: 4p15.32.
Variant type: single nucleotide variant.
Coding change: c.2164G>T on transcript NM_001378615.1 (MANE Select); coding-DNA position 2164, G replaced by T.
Protein change: p.Glu722Ter; replaces glutamic acid 722 with a stop codon.
Molecular consequence: nonsense.
Genome position (GRCh38, 1-based): chr4:15,540,997, G>T. VCF-style: chr4-15540997-G-T. GRCh37 (hg19) VCF-style: chr4-15542620-G-T.
Other names: c.2164G>T, p.Glu722Ter (NM_001080522.2); c.2017G>T, p.Glu673Ter (NM_001378617.1); short protein forms E673*, E722*.
Identifiers: ClinVar variation 1806266 (VCV001806266.3), dbSNP rs1340940841, ClinGen allele CA356414205.